The following is an entry in ClinVar:

ClinVar aggregate classification (germline): Likely benign (1 of 4 stars; one submission).

gnomAD v4.1: 2 of 1,613,082 alleles (0.00012%); highest among the groups gnomAD compares: Non-Finnish European, 0.00017%; no homozygotes.

Submission:

Mayo Clinic Laboratories, Mayo Clinic
Classification: Likely benign. Last evaluated: 2025-10-01. Review status: criteria provided, single submitter. Criteria: ACMG Guidelines, 2015. Collection method: clinical testing. Allele origin: germline. Observed: 1 variant allele.
Comment: BP4, BP7

NM_001130438.3(SPTAN1):c.1335T>G (p.Leu445=)

Gene: SPTAN1 (spectrin alpha, non-erythrocytic 1; plus strand). Cytogenetic location: 9q34.11.
Variant type: single nucleotide variant.
Coding change: c.1335T>G on transcript NM_001130438.3 (MANE Select); coding-DNA position 1335, T replaced by G.
Protein change: p.Leu445=; no amino-acid change (leucine 445 retained).
Molecular consequence: synonymous variant.
Genome position (GRCh38, 1-based): chr9:128,580,933, T>G. VCF-style: chr9-128580933-T-G. GRCh37 (hg19) VCF-style: chr9-131343212-T-G.
Other names: p.Leu445=; c.1335T>G, p.Leu445= (NM_001438442.1, NM_001438443.1, NM_001438444.1 and 10 more transcripts); c.1371T>G, p.Leu457= (NM_001375312.2, NM_001375318.1, NM_001438440.1).
Identifiers: ClinVar variation 4683438 (VCV004683438.1).